The following continues an entry in ClinVar:

NM_058216.3(RAD51C):c.773G>A (p.Arg258His)

Gene: RAD51C. ClinVar aggregate classification (germline): Pathogenic/Likely pathogenic/Likely pathogenic, low penetrance. Pathogenic (4); Likely pathogenic (11); Likely pathogenic, low penetrance (1).

Submissions 8 to 18 of 18:

Ambry Genetics
Classification: Likely pathogenic for Hereditary cancer-predisposing syndrome. Last evaluated: 2024-10-02. Review status: criteria provided, single submitter. Criteria: Ambry Variant Classification Scheme 2023. Collection method: clinical testing. Allele origin: germline.
Comment: The p.R258H variant (also known as c.773G>A), located in coding exon 5 of the RAD51C gene, results from a G to A substitution at nucleotide position 773. The arginine at codon 258 is replaced by histidine, an amino acid with highly similar properties. In one Pakistani family, two siblings affected with Fanconi anemia-like disorder were both homozygous for this alteration, while their consanguineous parents were both heterozygous for this alteration and an unaffected sibling was homozygous for the wild type allele (Vaz F et al. Nat. Genet. 2010 May; 42(5):406-9). Multiple functional studies on this alteration have demonstrated impaired protein function, with some evidence suggesting it is a hypomorphic mutant as some residual RAD51C function may be reserved (Vaz F et al. Nat. Genet. 2010 May; 42(5):406-9; Somyajit K et al. Carcinogenesis. 2010 Dec; 31(12):2031-8; Somyajit K et al. J. Biol. Chem. 2012 Jan; 287(5):3366-80;Park JY et al. Oncogene, 2014 Oct;33:4803-12). This alteration has also been reported in cohorts of individuals with increased risk of hereditary breast and/or ovarian cancer (J&oslash;nson L et al. Breast Cancer Res. Treat. 2016 Jan; 155(2):215-22; Nguyen-Dumont T et al. Int J Cancer, 2020 10;147:2142-2149; Shao D et al. Cancer Sci, 2020 Feb;111:647-657; Subramanian DN et al. Nat Commun, 2020 04;11:1640). This amino acid position is highly conserved in available vertebrate species. In addition, this alteration is predicted to be deleterious by in silico analysis. Based on the majority of available evidence to date, this variant is likely to be pathogenic.

Blueprint Genetics
Classification: Likely pathogenic for RAD51C-related disorders. Last evaluated: 2024-08-27. Review status: criteria provided, single submitter. Criteria: ACMG Guidelines, 2015. Collection method: clinical testing. Allele origin: germline. Affected: yes. Observed: 4 variant alleles.

Baylor Genetics
Classification: Likely pathogenic for Breast-ovarian cancer, familial, susceptibility to, 3. Last evaluated: 2024-02-22. Review status: criteria provided, single submitter. Criteria: ACMG Guidelines, 2015. Collection method: clinical testing. Allele origin: unknown.

GeneDx
Classification: Likely pathogenic. Last evaluated: 2023-12-05. Review status: criteria provided, single submitter. Criteria: GeneDx Variant Classification Process June 2021. Collection method: clinical testing. Allele origin: germline. Affected: yes.
Comment: Observed in individuals with personal and/or family history of breast and/or ovarian cancer (PMID: 31742824, 32242007, 35039523, 37444530); Published functional studies suggest a damaging effect: failure to protect replication forks, moderately suppressed G2/M accumulation, partial loss of homologous recombination activity and DNA interstrand cross-link repair, reduced RAD51 foci formation, and decreased binding affinity (PMID: 22167183, 25292178, 26354865, 36099300, 37253112, 37488098); Not observed at significant frequency in large population cohorts (gnomAD); In silico analysis supports that this missense variant has a deleterious effect on protein structure/function; This variant is associated with the following publications: (PMID: 26103414, 20400964, 25833843, 20952512, 21821141, 22167183, 26354865, 20400963, 27037238, 20428093, 26740214, 29278735, 25154786, 29922827, 22451500, 24141787, 28152038, 31589614, 31742824, 32338768, 32090079, 33015624, 32054657, 33804961, 34910513, 30551670, 35039523, 32242007, 37444530, 25292178, 36099300, 37253112, 37488098, 28829762, 27149842, 24998779, 36562461, 35740625, 14704354, 34887416, 36906610)

Myriad Genetics, Inc.
Classification: Likely pathogenic for Breast-ovarian cancer, familial, susceptibility to, 3. Last evaluated: 2023-03-10. Review status: criteria provided, single submitter. Criteria: Myriad Autosomal Dominant, Autosomal Recessive and X-Linked Classification Criteria (2023). Collection method: clinical testing. Allele origin: unknown.
Comment: This variant is considered likely pathogenic. This variant has been reported in multiple individuals with clinical features of gene-specific disease [PMID: 20400963, 32054657]. Functional studies indicate this variant impacts protein function [PMID: 20400963, 36099300, 22167183, 26354865, 24141787].

Department of Pathology and Laboratory Medicine, Sinai Health System
Classification: Likely pathogenic for Fanconi anemia complementation group O; Breast-ovarian cancer, familial, susceptibility to, 3. Last evaluated: 2022-06-01. Review status: criteria provided, single submitter. Criteria: ACMG Guidelines, 2015. Collection method: clinical testing. Allele origin: germline. Affected: no.

Women's Health and Genetics/Laboratory Corporation of America, LabCorp
Classification: Pathogenic for Hereditary breast and ovarian cancer syndrome. Last evaluated: 2019-11-05. Review status: criteria provided, single submitter. Criteria: LabCorp Variant Classification Summary - May 2015. Collection method: clinical testing. Allele origin: germline.
Comment: Variant summary: RAD51C c.773G>A (p.Arg258His) results in a non-conservative amino acid change located in the DNA recombination and repair protein Rad51-like, C-terminal (IPR013632) of the encoded protein sequence. Five of five in-silico tools predict a damaging effect of the variant on protein function. The variant allele was found at a frequency of 1.6e-05 in 251428 control chromosomes (gnomAD). c.773G>A has been reported in the literature as a biallelic mutation in multiple individuals from a family affected with Fanconi-anemia-like disorder (Vaz_2010). The variant has also been reported in at least one patient with breast cancer family history, although this patient also had a co-occurring mutation in BRCA2 that was predicted by the authors to be pathogenic (Ahlborn_2014, Jonson_2016). These data indicate that the variant is likely to be associated with disease. Several publications report experimental evidence evaluating an impact on protein function. Cells expressing the variant protein were shown to have decreased formation of RAD51 foci in response to DNA damage (Vaz_2010), a reduction in binding to other proteins in a complex with BRCA2, PALB2, and RAD51 (Park_2014) and impaired replication fork maintenance (Somyajit_2015). Collectively, these data indicate that the variant results in an impaired ability to repair DNA damage. Four clinical diagnostic laboratories have submitted clinical-significance assessments for this variant to ClinVar after 2014 without evidence for independent evaluation. All laboratories cited the variant as likely pathogenic. Based on the evidence outlined above, the variant was classified as pathogenic.

Mendelics
Classification: Likely pathogenic for Fanconi anemia complementation group O. Last evaluated: 2019-05-28. Review status: criteria provided, single submitter. Criteria: Mendelics Assertion Criteria 2017. Collection method: clinical testing. Allele origin: unknown.

Quest Diagnostics Nichols Institute San Juan Capistrano
Classification: Likely pathogenic. Last evaluated: 2017-07-21. Review status: criteria provided, single submitter. Criteria: Quest Diagnostics criteria. Collection method: clinical testing. Allele origin: germline.

Leiden Open Variation Database
Classification: Pathogenic for Fanconi anemia complementation group O. Last evaluated: 2010-08-11. Review status: no assertion criteria provided. Collection method: curation. Allele origin: germline. Affected: no. Not counted in ClinVar's aggregate classification.
Comment: Curator: Arleen D. Auerbach. Submitter to LOVD: Arleen D. Auerbach.

OMIM
Classification: Pathogenic for FANCONI ANEMIA, COMPLEMENTATION GROUP O. Last evaluated: 2010-05-01. Review status: no assertion criteria provided. Collection method: literature only. Allele origin: germline. Not counted in ClinVar's aggregate classification.

Literature cited by the submitters: PubMed 20400963 (cited by 11 submitters); PubMed 25154786 (cited by 5 submitters); PubMed 26740214 (cited by 7 submitters); PubMed 32054657 (cited by 3 submitters); PubMed 32242007 (cited by 4 submitters); PubMed 22167183 (cited by 7 submitters); PubMed 26354865 (cited by 6 submitters); PubMed 24141787 (cited by 4 submitters); PubMed 31742824 (cited by Color Diagnostics, LLC DBA Color Health and Ambry Genetics); PubMed 36099300 (cited by Color Diagnostics, LLC DBA Color Health and Myriad Genetics, Inc.); PubMed 37253112 (cited by Color Diagnostics, LLC DBA Color Health); PubMed 37444530 (cited by Color Diagnostics, LLC DBA Color Health); PubMed 39299233 (cited by Color Diagnostics, LLC DBA Color Health and Department of Clinical Genetics, Copenhagen University Hospital, Rigshospitalet); PubMed 20428093 (cited by Ambry Genetics); PubMed 30551670 (cited by Ambry Genetics and Women's Health and Genetics/Laboratory Corporation of America, LabCorp); PubMed 32338768 (cited by Ambry Genetics); PubMed 24141797 (cited by Department of Pathology and Laboratory Medicine, Sinai Health System); PubMed 22451500 (cited by Women's Health and Genetics/Laboratory Corporation of America, LabCorp); PubMed 20400964 (cited by Women's Health and Genetics/Laboratory Corporation of America, LabCorp); PubMed 28829762 (cited by Women's Health and Genetics/Laboratory Corporation of America, LabCorp); PubMed 29922827 (cited by Women's Health and Genetics/Laboratory Corporation of America, LabCorp); PubMed 27149842 (cited by Women's Health and Genetics/Laboratory Corporation of America, LabCorp); PubMed 29278735 (cited by Women's Health and Genetics/Laboratory Corporation of America, LabCorp); PubMed 27037238 (cited by Women's Health and Genetics/Laboratory Corporation of America, LabCorp); PubMed 24998779 (cited by Women's Health and Genetics/Laboratory Corporation of America, LabCorp); PubMed 25833843 (cited by Women's Health and Genetics/Laboratory Corporation of America, LabCorp); PubMed 20952512 (cited by Women's Health and Genetics/Laboratory Corporation of America, LabCorp).